The following is an entry in ClinVar:

ClinVar aggregate classification (germline): Uncertain significance (1 of 4 stars; one submission).

Conditions:
Ichthyosis linearis circumflexa. Identifiers: MedGen C0265962, MONDO:0043106, HP:0025810.

Submission:

Labcorp Genetics (formerly Invitae), Labcorp
Classification: Uncertain significance for Ichthyosis linearis circumflexa. Last evaluated: 2022-09-09. Review status: criteria provided, single submitter. Criteria: Invitae Variant Classification Sherloc (09022015). Collection method: clinical testing. Allele origin: germline.
Comment: In summary, the available evidence is currently insufficient to determine the role of this variant in disease. Therefore, it has been classified as a Variant of Uncertain Significance. Variants that disrupt the consensus splice site are a relatively common cause of aberrant splicing (PMID: 17576681, 9536098). Algorithms developed to predict the effect of sequence changes on RNA splicing suggest that this variant may disrupt the consensus splice site. This variant has not been reported in the literature in individuals affected with SPINK5-related conditions. This variant is not present in population databases (gnomAD no frequency). This sequence change falls in intron 7 of the SPINK5 gene. It does not directly change the encoded amino acid sequence of the SPINK5 protein. It affects a nucleotide within the consensus splice site.

Literature cited by the submitters: PubMed 17576681; PubMed 9536098.

NM_006846.4(SPINK5):c.602+6T>C

Gene: SPINK5 (serine peptidase inhibitor Kazal type 5; plus strand). Cytogenetic location: 5q32.
Variant type: single nucleotide variant.
Coding change: c.602+6T>C on transcript NM_006846.4 (MANE Select); 6 bases into the intron after coding-DNA position 602, T replaced by C.
Molecular consequence: intron variant.
Genome position (GRCh38, 1-based): chr5:148,089,627, T>C. VCF-style: chr5-148089627-T-C. GRCh37 (hg19) VCF-style: chr5-147469190-T-C.
Other names: c.602+6T>C (NM_001127698.2, NM_001127699.2).
Identifiers: ClinVar variation 2035584 (VCV002035584.3), dbSNP rs2531690898, ClinGen allele CA2578443337.
Genomic context (GRCh38, chr5:148,089,627, plus strand): 5'-TTGGTCCTGATGGGAAGACGCATGGCAATAAGTGTGCAATGTGTGCTGAGCTGTTGTAAG[T>C]AGCATCATCCCCAGGTGGACTTGATGATGATGCACTTGGTTGCTGTCCCGAGAATCACTC-3'